The following is an entry in ClinVar:

NM_001042475.3(CEP85L):c.131C>G (p.Thr44Ser)

Gene: CEP85L (centrosomal protein 85L; minus strand). Cytogenetic location: 6q22.31.
Variant type: single nucleotide variant.
Coding change: c.131C>G on transcript NM_001042475.3 (MANE Select); coding-DNA position 131, C replaced by G.
Protein change: p.Thr44Ser; replaces threonine 44 with serine.
Molecular consequence: missense variant.
Genome position (GRCh38, 1-based): chr6:118,632,554, G>C on the plus strand (C>G on the coding strand, the complement: CEP85L is on the minus strand). VCF-style: chr6-118632554-G-C. GRCh37 (hg19) VCF-style: chr6-118953717-G-C.
Other names: c.140C>G, p.Thr47Ser (NM_001178035.2); c.131C>G, p.Thr44Ser (NM_206921.3); short protein forms T44S, T47S.
Identifiers: ClinVar variation 3143074 (VCV003143074.5), dbSNP rs529696554, ClinGen allele CA3978188.

ClinVar aggregate classification (germline): Conflicting classifications of pathogenicity. Review status: criteria provided, conflicting classifications (1 of 4 stars). 2 submissions from 2 submitters: Uncertain significance (1); Likely benign (1). Last evaluated 2026-02-01.

Conditions:
Inborn genetic diseases. Identifiers: MedGen C0950123, MeSH D030342.

Allele frequency attached by ClinVar (database versions not stated): TOPMed below 0.00001; ExAC 0.00001; gnomAD 0.00001; 1000 Genomes Project 0.00020; 1000 Genomes Project 30x 0.00031.
gnomAD v4.1: 13 of 1,613,090 alleles (0.00081%); highest among the groups gnomAD compares: Admixed American, 0.017%; no homozygotes.

Submissions (2):

CeGaT Center for Human Genetics Tuebingen
Classification: Likely benign. Last evaluated: 2026-02-01. Review status: criteria provided, single submitter. Criteria: CeGaT Center For Human Genetics Tuebingen Variant Classification Criteria Version 2. Collection method: clinical testing. Allele origin: germline. Affected: yes. Observed: 1 variant allele.
Comment: CEP85L: BP4, BS2

Ambry Genetics
Classification: Uncertain significance for Inborn genetic diseases. Last evaluated: 2023-12-17. Review status: criteria provided, single submitter. Criteria: Ambry Variant Classification Scheme 2023. Collection method: clinical testing. Allele origin: germline.